The following is an entry in ClinVar:

ClinVar aggregate classification (germline): Uncertain significance (1 of 4 stars; one submission).

Conditions:
MELAS syndrome (MELAS). Also called: Juvenile myopathy, encephalopathy, lactic acidosis, stroke. Identifiers: Orphanet 550, MedGen C0162671, MONDO:0010789, OMIM 540000.

Submission:

Wong Mito Lab, Molecular and Human Genetics, Baylor College of Medicine
Classification: Uncertain significance for MELAS syndrome. Last evaluated: 2019-07-12. Review status: criteria provided, single submitter. Criteria: Modified ACMG Guidelines (Unpublished). Collection method: clinical testing. Allele origin: germline.
Comment: The NC_012920.1:m.12173T>A variant in MT-TH gene is interpreted to be a Unknown Significance variant based on the modified ACMG guidelines (unpublished). This variant meets the following evidence codes reported in the guidelines: BP6

Literature cited by the submitters: PubMed 31965079.

NC_012920.1(MT-TH):m.12173T>A

Gene: MT-TH (mitochondrially encoded tRNA histidine; plus strand).
Variant type: single nucleotide variant.
Genome position: chrM-12173-T-A.
Identifiers: ClinVar variation 690144 (VCV000690144.1), dbSNP rs1556424075, ClinGen allele CA913169581.